The following is an entry in ClinVar:

ClinVar aggregate classification (germline): Uncertain significance (1 of 4 stars; one submission).

Conditions:
Neuroblastoma, susceptibility to, 3. Also called: ALK-Related Neuroblastic Tumor Susceptibility. Identifiers: Orphanet 635, MedGen C2751681, MONDO:0013083, OMIM 613014.

Submission:

Labcorp Genetics (formerly Invitae), Labcorp
Classification: Uncertain significance for Neuroblastoma, susceptibility to, 3. Last evaluated: 2022-10-05. Review status: criteria provided, single submitter. Criteria: Invitae Variant Classification Sherloc (09022015). Collection method: clinical testing. Allele origin: germline.
Comment: This sequence change replaces cysteine, which is neutral and slightly polar, with tyrosine, which is neutral and polar, at codon 345 of the ALK protein (p.Cys345Tyr). This variant is not present in population databases (gnomAD no frequency). This variant has not been reported in the literature in individuals affected with ALK-related conditions. ClinVar contains an entry for this variant (Variation ID: 566296). Algorithms developed to predict the effect of missense changes on protein structure and function are either unavailable or do not agree on the potential impact of this missense change (SIFT: "Deleterious"; PolyPhen-2: "Probably Damaging"; Align-GVGD: "Class C0"). In summary, the available evidence is currently insufficient to determine the role of this variant in disease. Therefore, it has been classified as a Variant of Uncertain Significance.

NM_004304.5(ALK):c.1034G>A (p.Cys345Tyr)

Gene: ALK (ALK receptor tyrosine kinase; minus strand). Cytogenetic location: 2p23.2.
Variant type: single nucleotide variant.
Coding change: c.1034G>A on transcript NM_004304.5 (MANE Select); coding-DNA position 1034, G replaced by A.
Protein change: p.Cys345Tyr; replaces cysteine 345 with tyrosine.
Molecular consequence: missense variant.
Genome position (GRCh38, 1-based): chr2:29,532,035, C>T on the plus strand (G>A on the coding strand, the complement: ALK is on the minus strand). VCF-style: chr2-29532035-C-T. GRCh37 (hg19) VCF-style: chr2-29754901-C-T.
Other names: short protein forms C345Y.
Identifiers: ClinVar variation 566296 (VCV000566296.8), dbSNP rs1558370551, ClinGen allele CA346587411.